The following is an entry in ClinVar:

NM_018052.5(VAC14):c.455G>A (p.Ser152Asn)

Gene: VAC14 (VAC14 component of PIKFYVE complex; minus strand). Cytogenetic location: 16q22.1.
Variant type: single nucleotide variant.
Coding change: c.455G>A on transcript NM_018052.5 (MANE Select); coding-DNA position 455, G replaced by A.
Protein change: p.Ser152Asn; replaces serine 152 with asparagine.
Molecular consequence: missense variant. On other transcripts: 5 prime UTR variant (1).
Genome position (GRCh38, 1-based): chr16:70,784,807, C>T on the plus strand (G>A on the coding strand, the complement: VAC14 is on the minus strand). VCF-style: chr16-70784807-C-T. GRCh37 (hg19) VCF-style: chr16-70818710-C-T.
Other names: c.-248G>A (NM_001351157.2); short protein forms S152N.
Identifiers: ClinVar variation 1519152 (VCV001519152.6), dbSNP rs2143270762, ClinGen allele CA396611179.

ClinVar aggregate classification (germline): Uncertain significance (1 of 4 stars; one submission).

Allele frequency attached by ClinVar (database versions not stated): gnomAD exomes below 0.00001.
gnomAD v4.1: 1 of 1,614,156 alleles (0.000062%); highest among the groups gnomAD compares: South Asian, 0.0011%; no homozygotes.

Submission:

Labcorp Genetics (formerly Invitae), Labcorp
Classification: Uncertain significance. Last evaluated: 2023-07-07. Review status: criteria provided, single submitter. Criteria: Invitae Variant Classification Sherloc (09022015). Collection method: clinical testing. Allele origin: germline.
Comment: ClinVar contains an entry for this variant (Variation ID: 1519152). In summary, the available evidence is currently insufficient to determine the role of this variant in disease. Therefore, it has been classified as a Variant of Uncertain Significance. Advanced modeling of protein sequence and biophysical properties (such as structural, functional, and spatial information, amino acid conservation, physicochemical variation, residue mobility, and thermodynamic stability) performed at Invitae indicates that this missense variant is not expected to disrupt VAC14 protein function. This variant has not been reported in the literature in individuals affected with VAC14-related conditions. This variant is not present in population databases (gnomAD no frequency). This sequence change replaces serine, which is neutral and polar, with asparagine, which is neutral and polar, at codon 152 of the VAC14 protein (p.Ser152Asn).